The following is an entry in ClinVar:

NM_000426.4(LAMA2):c.1730C>T (p.Ala577Val)

Gene: LAMA2 (laminin subunit alpha 2; plus strand). Cytogenetic location: 6q22.33.
Variant type: single nucleotide variant.
Coding change: c.1730C>T on transcript NM_000426.4 (MANE Select); coding-DNA position 1730, C replaced by T.
Protein change: p.Ala577Val; replaces alanine 577 with valine.
Molecular consequence: missense variant.
Genome position (GRCh38, 1-based): chr6:129,192,801, C>T. VCF-style: chr6-129192801-C-T. GRCh37 (hg19) VCF-style: chr6-129513946-C-T.
Other names: c.1730C>T, p.Ala577Val (NM_001079823.2); short protein forms A577V.
Identifiers: ClinVar variation 1902069 (VCV001902069.4), dbSNP rs2115037122, ClinGen allele CA365608342.

ClinVar aggregate classification (germline): Uncertain significance (1 of 4 stars; one submission).

Conditions:
LAMA2-related muscular dystrophy (LAMA2-RD). Also called: Laminin alpha 2-related dystrophy. Identifiers: MedGen C5679788, MONDO:0100228.

Submission:

Labcorp Genetics (formerly Invitae), Labcorp
Classification: Uncertain significance for LAMA2-related muscular dystrophy. Last evaluated: 2022-07-13. Review status: criteria provided, single submitter. Criteria: Invitae Variant Classification Sherloc (09022015). Collection method: clinical testing. Allele origin: germline.
Comment: This sequence change replaces alanine, which is neutral and non-polar, with valine, which is neutral and non-polar, at codon 577 of the LAMA2 protein (p.Ala577Val). This variant is not present in population databases (gnomAD no frequency). This variant has not been reported in the literature in individuals affected with LAMA2-related conditions. Advanced modeling of protein sequence and biophysical properties (such as structural, functional, and spatial information, amino acid conservation, physicochemical variation, residue mobility, and thermodynamic stability) performed at Invitae indicates that this missense variant is not expected to disrupt LAMA2 protein function. In summary, the available evidence is currently insufficient to determine the role of this variant in disease. Therefore, it has been classified as a Variant of Uncertain Significance.